The following is an entry in ClinVar:

ClinVar aggregate classification (germline): Uncertain significance (1 of 4 stars; one submission).

Submission:

CeGaT Center for Human Genetics Tuebingen
Classification: Uncertain significance. Last evaluated: 2025-05-01. Review status: criteria provided, single submitter. Criteria: CeGaT Center For Human Genetics Tuebingen Variant Classification Criteria Version 2. Collection method: clinical testing. Allele origin: germline. Affected: yes. Observed: 1 variant allele.
Comment: STAT5A: PM2, PS2:Moderate

NM_001288718.2(STAT5A):c.2072_2114+2dup

Gene: STAT5A (signal transducer and activator of transcription 5A; plus strand). Cytogenetic location: 17q21.2.
Variant type: Duplication.
Coding change: c.2072_2114+2dup on transcript NM_001288718.2 (MANE Select); coding-DNA position 2072 through the canonical splice donor site of the intron after coding-DNA position 2114, 45 bases duplicated.
Molecular consequence: splice donor variant. On other transcripts: intron variant (1).
Genome position (GRCh38, 1-based): chr17:42,309,056-42,309,100, 45 bases duplicated. GRCh37 (hg19): chr17:40,461,074-40,461,118.
Other names: c.2062+723_2062+767dup (NM_001411103.1); c.2072_2114+2dup (NM_003152.4); c.1979_2021+2dup (NM_001288720.2); c.1982_2024+2dup (NM_001288719.2).
Identifiers: ClinVar variation 3905655 (VCV003905655.10).
Genomic context (GRCh38, chr17:42,309,055, plus strand): 5'-ACTTGGGAGTTCCCAGAGACTTTGGTTCTCACCACTGTTCTTCCCTTGACAGCTAAAGCT[G>GTTGATGGATATGTGAAACCACAGATCAAGCAAGTGGTCCCTGAGT]TTGATGGATATGTGAAACCACAGATCAAGCAAGTGGTCCCTGAGTAAGTGTCCAGGTGGC-3'